The following is an entry in ClinVar:

ClinVar aggregate classification (germline): Uncertain significance (1 of 4 stars; one submission).

Submission:

GeneDx
Classification: Uncertain significance. Last evaluated: 2023-12-30. Review status: criteria provided, single submitter. Criteria: GeneDx Variant Classification Process June 2021. Collection method: clinical testing. Allele origin: germline. Affected: yes.
Comment: In silico analysis supports that this missense variant does not alter protein structure/function; Has not been previously published as pathogenic or benign to our knowledge

NM_004114.5(FGF13):c.189G>C (p.Glu63Asp)

Gene: FGF13 (fibroblast growth factor 13; minus strand). Cytogenetic location: Xq26.3.
Variant type: single nucleotide variant.
Coding change: c.189G>C on transcript NM_004114.5 (MANE Select); coding-DNA position 189, G replaced by C.
Protein change: p.Glu63Asp; replaces glutamic acid 63 with aspartic acid.
Molecular consequence: missense variant.
Genome position (GRCh38, 1-based): chrX:138,708,927, C>G on the plus strand (G>C on the coding strand, the complement: FGF13 is on the minus strand). VCF-style: chrX-138708927-C-G. GRCh37 (hg19) VCF-style: chrX-137791089-C-G.
Other names: c.51G>C, p.Glu17Asp (NM_001139498.2); c.219G>C, p.Glu73Asp (NM_001139500.2); c.132G>C, p.Glu44Asp (NM_001139501.2, NM_001139502.2); c.30G>C, p.Glu10Asp (NM_033642.3); short protein forms E10D, E17D, E44D, E63D, E73D.
Identifiers: ClinVar variation 3367325 (VCV003367325.1).